The following is an entry in ClinVar:

NM_148960.3(CLDN19):c.658G>T (p.Gly220Cys)

Gene: CLDN19 (claudin 19; minus strand). Cytogenetic location: 1p34.2.
Variant type: single nucleotide variant.
Coding change: c.658G>T on transcript NM_148960.3 (MANE Select); coding-DNA position 658, G replaced by T.
Protein change: p.Gly220Cys; replaces glycine 220 with cysteine.
Molecular consequence: missense variant. On other transcripts: 3 prime UTR variant (2).
Genome position (GRCh38, 1-based): chr1:42,735,103, C>A on the plus strand (G>T on the coding strand, the complement: CLDN19 is on the minus strand). VCF-style: chr1-42735103-C-A. GRCh37 (hg19) VCF-style: chr1-43200774-C-A.
Other names: c.*765G>T (NM_001123395.2); c.*659G>T (NM_001185117.2); short protein forms G220C.
Identifiers: ClinVar variation 1367851 (VCV001367851.7), dbSNP rs200491942, ClinGen allele CA801295.
Genomic context (GRCh38, chr1:42,735,103, plus strand): 5'-GTCTAGGTATGGCAGGGGACAGAGCCTGGCTGGGGACTGGACATTACACACCCAGGGGGC[C>A]CTTGGCGGAGGCGGGCAATTTAACAACTGGTCTGAAAGTCAAAAGAGAGAGAGCTGGTTA-3'
Protein context (NP_683763.2, residues 210-224): PVVKLPASAK[Gly220Cys]PLGV

ClinVar aggregate classification (germline): Uncertain significance. Review status: criteria provided, multiple submitters, no conflicts (2 of 4 stars). 2 submissions from 2 submitters: Uncertain significance (2). Last evaluated 2025-04-17.

Conditions:
Renal hypomagnesemia 5 with ocular involvement. Also called: FHHNC WITH SEVERE OCULAR INVOLVEMENT; HYPOMAGNESEMIA, FAMILIAL, WITH HYPERCALCIURIA, NEPHROCALCINOSIS, AND SEVERE OCULAR INVOLVEMENT; MACULAR COLOBOMA, BILATERAL, WITH HYPERCALCIURIA; HYPOMAGNESEMIA 5, RENAL, WITH OR WITHOUT OCULAR INVOLVEMENT. Identifiers: Orphanet 2196, MedGen C4721891, MONDO:0009548, OMIM 248190.

Allele frequency attached by ClinVar (database versions not stated): gnomAD 0.00004; gnomAD exomes 0.00004 and 0.00011; ExAC 0.00007; TOPMed 0.00009; 1000 Genomes Project 0.00020; 1000 Genomes Project 30x 0.00031.

Submissions (2):

Labcorp Genetics (formerly Invitae), Labcorp
Classification: Uncertain significance. Last evaluated: 2025-04-17. Review status: criteria provided, single submitter. Criteria: Invitae Variant Classification Sherloc (09022015). Collection method: clinical testing. Allele origin: germline.
Comment: This sequence change replaces glycine, which is neutral and non-polar, with cysteine, which is neutral and slightly polar, at codon 220 of the CLDN19 protein (p.Gly220Cys). This variant is present in population databases (rs200491942, gnomAD 0.06%). This variant has not been reported in the literature in individuals affected with CLDN19-related conditions. ClinVar contains an entry for this variant (Variation ID: 1367851). An algorithm developed to predict the effect of missense changes on protein structure and function (PolyPhen-2) suggests that this variant is likely to be disruptive. In summary, the available evidence is currently insufficient to determine the role of this variant in disease. Therefore, it has been classified as a Variant of Uncertain Significance.

Fulgent Genetics
Classification: Uncertain significance for Renal hypomagnesemia 5 with ocular involvement. Last evaluated: 2022-04-06. Review status: criteria provided, single submitter. Criteria: ACMG Guidelines, 2015. Collection method: clinical testing. Allele origin: unknown.